The following is an entry in ClinVar:

NM_002345.4(LUM):c.222G>A (p.Arg74=)

Gene: LUM (lumican; minus strand). Cytogenetic location: 12q21.33.
Variant type: single nucleotide variant.
Coding change: c.222G>A on transcript NM_002345.4 (MANE Select); coding-DNA position 222, G replaced by A.
Protein change: p.Arg74=; no amino-acid change (arginine 74 retained).
Molecular consequence: synonymous variant.
Genome position (GRCh38, 1-based): chr12:91,108,758, C>T on the plus strand (G>A on the coding strand, the complement: LUM is on the minus strand). VCF-style: chr12-91108758-C-T. GRCh37 (hg19) VCF-style: chr12-91502535-C-T.
Identifiers: ClinVar variation 3038149 (VCV003038149.2), dbSNP rs1457582037, ClinGen allele CA481307493.
Genomic context (GRCh38, chr12:91,108,758, plus strand): 5'-CCACTGCAGATCAGTTACATTCTCAAAGGCCTTTTCATCAATATGGTCAATCTGGTTATT[C>T]CTAAGGTAAAGATACTTGATTCCAGGAGGCACCATTGGTACACTTTTCAATTTCAGCTCA-3'
Protein context (NP_002336.1, residues 64-84): VPPGIKYLYL[Arg74=]NNQIDHIDEK

ClinVar aggregate classification (germline): Likely benign (0 of 4 stars; one submission).

Conditions:
LUM-related disorder. Also called: LUM-related condition.

Allele frequency attached by ClinVar (database versions not stated): gnomAD exomes below 0.00001; gnomAD 0.00002; TOPMed 0.00008.
gnomAD v4.1: 7 of 1,613,878 alleles (0.00043%); highest among the groups gnomAD compares: Admixed American, 0.005%; no homozygotes.

Submission:

PreventionGenetics, part of Exact Sciences
Classification: Likely benign for LUM-related condition. Last evaluated: 2019-05-02. Review status: no assertion criteria provided. Collection method: clinical testing. Allele origin: germline.
Comment: This variant is classified as likely benign based on ACMG/AMP sequence variant interpretation guidelines (Richards et al. 2015 PMID: 25741868, with internal and published modifications).